The following is an entry in ClinVar:

NM_004168.4(SDHA):c.1969del (p.Val657fs)

Gene: SDHA (succinate dehydrogenase complex flavoprotein subunit A; plus strand). Cytogenetic location: 5p15.33.
Variant type: Deletion.
Coding change: c.1969del on transcript NM_004168.4 (MANE Select); coding-DNA position 1969, one base deleted (G; older notation c.1969delG).
Protein change: p.Val657fs; shifts the reading frame from valine 657.
Molecular consequence: frameshift variant.
Genome position (GRCh38, 1-based): chr5:256,394, G deleted. VCF-style (leftmost placement, unchanged base first): chr5-256393-CG-C. GRCh37 (hg19) VCF-style: chr5-256508-CG-C.
Other names: c.1825del, p.Val609fs (NM_001294332.2); c.1726del, p.Val576fs (NM_001330758.2); short protein forms V609fs, V576fs, V657fs.
Identifiers: ClinVar variation 2587080 (VCV002587080.2), dbSNP rs2477489456, ClinGen allele CA2582341249.

ClinVar aggregate classification (germline): Uncertain significance (1 of 4 stars; one submission).

Conditions:
Hereditary cancer-predisposing syndrome. Also called: Tumor predisposition; Hereditary Cancer Syndrome; Hereditary neoplastic syndrome; Neoplastic Syndromes, Hereditary. Identifiers: Orphanet 140162, MedGen C0027672, MeSH D009386, MONDO:0015356.

Submission:

Ambry Genetics
Classification: Uncertain significance for Hereditary cancer-predisposing syndrome. Last evaluated: 2023-08-11. Review status: criteria provided, single submitter. Criteria: Ambry Variant Classification Scheme 2023. Collection method: clinical testing. Allele origin: germline.
Comment: The c.1969delG variant, located in coding exon 15 of the SDHA gene, results from a deletion of one nucleotide at nucleotide position 1969, causing a translational frameshift with a predicted alternate stop codon (p.V657Sfs*25). This alteration occurs at the 3' terminus of theSDHA gene, is not expected to trigger nonsense-mediated mRNAdecay and results in the elongation of the protein by 16 amino acids. This frameshift impacts the last 9 amino acids of the native protein. The exact functional effect of the altered amino acids is unknown. Since supporting evidence is limited at this time, the clinical significance of this alteration remains unclear.